The following is an entry in ClinVar:

NM_001267550.2(TTN):c.52405+4A>G

Genes: TTN (titin; minus strand), TTN-AS1 (TTN antisense RNA 1; plus strand). Cytogenetic location: 2q31.2.
Variant type: single nucleotide variant.
Coding change: c.52405+4A>G on transcript NM_001267550.2 (MANE Select); 4 bases into the intron after coding-DNA position 52405, A replaced by G.
Molecular consequence: intron variant.
Genome position (GRCh38, 1-based): chr2:178,608,602, T>C on the plus strand (A>G on the coding strand, the complement: TTN is on the minus strand). VCF-style: chr2-178608602-T-C. GRCh37 (hg19) VCF-style: chr2-179473329-T-C.
Other names: c.25210+4A>G (NM_003319.4); c.25786+4A>G (NM_133437.4); c.25585+4A>G (NM_133432.3); c.44701+4A>G (NM_133378.4); c.47482+4A>G (NM_001256850.1).
Identifiers: ClinVar variation 2502153 (VCV002502153.2), dbSNP rs2470347435, ClinGen allele CA2580614499.

ClinVar aggregate classification (germline): Uncertain significance (1 of 4 stars; one submission).

Conditions:
Hypertrophic cardiomyopathy 9. Also called: Familial hypertrophic cardiomyopathy 9. Identifiers: MedGen C1861065, MONDO:0013412, OMIM 613765.
Dilated cardiomyopathy 1G (CMD1G). Identifiers: Orphanet 154, MedGen C1858763, MONDO:0011400, OMIM 604145.

Submission:

New York Genome Center
Classification: Uncertain significance for Hypertrophic cardiomyopathy 9; Dilated cardiomyopathy 1G. Last evaluated: 2022-04-22. Review status: criteria provided, single submitter. Criteria: NYGC Assertion Criteria 2020. Collection method: clinical testing. Allele origin: germline. Observed: 1 heterozygote.
Comment: The c.52405+4A>G splice-region variant identified in intron 274 (of 362) of the TTN gene has not previously been reported in the literature or public variant repositories (ClinVar and LOVD), and is absent from population databases (gnomAD v2.1.1 and v3.1.2, TOPMed Freeze 8), suggesting it is not a common benign variant in the populations represented in those databases. In silico tools provide conflicting predictions about its potential effect on mRNAsplicing (varSEAK: Class 4, SpliceAI score = 0.01 (donor loss)). This variant is located in the A band of TTN, where most truncating variants associated with dilated cardiomyopathy are located [PMID:26777568, 27869827, 28045975]. Based on the available evidence, the c.52405+4A>G splice-region variant identified in the TTN gene is reported as a Variant of Uncertain Significance.